The following is an entry in ClinVar:

ClinVar aggregate classification (germline): Uncertain significance (1 of 4 stars; one submission).

Conditions:
Charcot-Marie-Tooth disease type 4. Also called: Charcot-Marie-Tooth disease, type IV; Charcot-Marie-Tooth, Type 4. Identifiers: Orphanet 64749, MedGen C4082197, MONDO:0018995.

Submission:

Labcorp Genetics (formerly Invitae), Labcorp
Classification: Uncertain significance for Charcot-Marie-Tooth disease type 4. Last evaluated: 2022-04-28. Review status: criteria provided, single submitter. Criteria: Invitae Variant Classification Sherloc (09022015). Collection method: clinical testing. Allele origin: germline.
Comment: This sequence change falls in intron 2 of the MTMR2 gene. It does not directly change the encoded amino acid sequence of the MTMR2 protein. Information on the frequency of this variant in the gnomAD database is not available, as this variant may be reported differently in the database. This variant has not been reported in the literature in individuals affected with MTMR2-related conditions. Experimental studies and prediction algorithms are not available or were not evaluated, and the effect of this variant on mRNA splicing is currently unknown. In summary, the available evidence is currently insufficient to determine the role of this variant in disease. Therefore, it has been classified as a Variant of Uncertain Significance.

NM_016156.6(MTMR2):c.186+19_186+20delinsTA

Gene: MTMR2 (myotubularin related protein 2; minus strand). Cytogenetic location: 11q21.
Variant type: Indel.
Coding change: c.186+19_186+20delinsTA on transcript NM_016156.6 (MANE Select); bases 19 to 20 of the intron after coding-DNA position 186, AG replaced by TA.
Molecular consequence: intron variant.
Genome position (GRCh38, 1-based): chr11:95,888,136-95,888,137, CT replaced by TA on the plus strand (AG replaced by TA on the coding strand, the reverse complement: MTMR2 is on the minus strand). VCF-style: chr11-95888136-CT-TA. GRCh37 (hg19) VCF-style: chr11-95621300-CT-TA.
Other names: c.-31+19_-31+20delinsTA (NM_201281.3); c.-154+19_-154+20delinsTA (NM_201278.3); c.-227+19_-227+20delinsTA (NM_001243571.2).
Identifiers: ClinVar variation 1909446 (VCV001909446.3), dbSNP rs2496766332, ClinGen allele CA2580085074.
Genomic context (GRCh38, chr11:95,888,136, plus strand): 5'-TAAATTAGTTATATTGATAGTGTTGGCCACAAATATTTAACAGAAAGTACTTCATCAGAA[CT>TA]TTAAAATAGTATACATACCCTCAAATCAGGAGAAAAGTTGTCGGCAGAAGTTGAAATGGA-3'